The following is an entry in ClinVar:

NM_020442.6(VARS2):c.1684G>A (p.Val562Ile)

Gene: VARS2 (valyl-tRNA synthetase 2, mitochondrial; plus strand). Cytogenetic location: 6p21.33.
Variant type: single nucleotide variant.
Coding change: c.1684G>A on transcript NM_020442.6 (MANE Select); coding-DNA position 1684, G replaced by A.
Protein change: p.Val562Ile; replaces valine 562 with isoleucine.
Molecular consequence: missense variant.
Genome position (GRCh38, 1-based): chr6:30,921,640, G>A. VCF-style: chr6-30921640-G-A. GRCh37 (hg19) VCF-style: chr6-30889417-G-A.
Other names: c.1264G>A, p.Val422Ile (NM_001167733.3); c.1774G>A, p.Val592Ile (NM_001167734.2); short protein forms V422I, V592I, V562I.
Identifiers: ClinVar variation 2114762 (VCV002114762.4), dbSNP rs2538663809, ClinGen allele CA363173901.
Genomic context (GRCh38, chr6:30,921,640, plus strand): 5'-CTTTTGCAGGGAGAAGAGGACTGTTGGGTGGTTGGGCGGTCAGAGGCTGAGGCCAGAGAG[G>A]TAGCAGCGGAACTGACAGGGAGGCCAGGGGCAGAGCTGACCCTGGAGAGGGGTGAGTGCC-3'
Protein context (NP_065175.4, residues 552-572): VGRSEAEARE[Val562Ile]AAELTGRPGA

ClinVar aggregate classification (germline): Uncertain significance (1 of 4 stars; one submission).

Submission:

Labcorp Genetics (formerly Invitae), Labcorp
Classification: Uncertain significance. Last evaluated: 2024-10-22. Review status: criteria provided, single submitter. Criteria: Invitae Variant Classification Sherloc (09022015). Collection method: clinical testing. Allele origin: germline.
Comment: This sequence change replaces valine, which is neutral and non-polar, with isoleucine, which is neutral and non-polar, at codon 592 of the VARS2 protein (p.Val592Ile). This variant is not present in population databases (gnomAD no frequency). This variant has not been reported in the literature in individuals affected with VARS2-related conditions. ClinVar contains an entry for this variant (Variation ID: 2114762). Invitae Evidence Modeling of protein sequence and biophysical properties (such as structural, functional, and spatial information, amino acid conservation, physicochemical variation, residue mobility, and thermodynamic stability) indicates that this missense variant is not expected to disrupt VARS2 protein function with a negative predictive value of 80%. In summary, the available evidence is currently insufficient to determine the role of this variant in disease. Therefore, it has been classified as a Variant of Uncertain Significance.